The following is an entry in ClinVar:

NM_001122681.2(SH3BP2):c.357+6_357+7del

Gene: SH3BP2 (SH3 domain binding protein 2; plus strand). Cytogenetic location: 4p16.3.
Variant type: Deletion.
Coding change: c.357+6_357+7del on transcript NM_001122681.2 (MANE Select); bases 6 to 7 of the intron after coding-DNA position 357, 2 bases deleted (TG; older notation c.357+6_357+7delTG).
Molecular consequence: intron variant.
Genome position (GRCh38, 1-based): chr4:2,824,736-2,824,737, TG deleted. VCF-style (leftmost placement, unchanged base first): chr4-2824735-CTG-C. GRCh37 (hg19) VCF-style: chr4-2826462-CTG-C.
Other names: c.441+6_441+7del (NM_001145855.2); c.528+6_528+7del (NM_001145856.2); c.357+6_357+7del (NM_003023.4).
Identifiers: ClinVar variation 2012886 (VCV002012886.4), dbSNP rs749795334, ClinGen allele CA2819024.
Genomic context (GRCh38, chr4:2,824,735, plus strand): 5'-TCAGCAAGAAGCACCGCACGTGGTTCTTCTCGGCCTCCTCCGAGGAGGAGCGCAAGGTGA[CTG>C]GGGGTCCGAGGACGAGTGCAAGGTGACTGGGGGTGTGGGCCTGCAGGCACCAGGCTGGAC-3'

ClinVar aggregate classification (germline): Uncertain significance (1 of 4 stars; one submission).

Conditions:
Fibrous dysplasia of jaw (CRBM). Also called: Cherubism. Identifiers: Orphanet 184, MedGen C0008029, MONDO:0007315, OMIM 118400.

Allele frequency attached by ClinVar (database versions not stated): gnomAD exomes below 0.00001; ExAC 0.00001.

Submission:

Labcorp Genetics (formerly Invitae), Labcorp
Classification: Uncertain significance for Fibrous dysplasia of jaw. Last evaluated: 2024-02-06. Review status: criteria provided, single submitter. Criteria: Invitae Variant Classification Sherloc (09022015). Collection method: clinical testing. Allele origin: germline.
Comment: This sequence change falls in intron 4 of the SH3BP2 gene. It does not directly change the encoded amino acid sequence of the SH3BP2 protein. It affects a nucleotide within the consensus splice site. This variant is present in population databases (rs749795334, gnomAD 0.0009%). This variant has not been reported in the literature in individuals affected with SH3BP2-related conditions. ClinVar contains an entry for this variant (Variation ID: 2012886). Variants that disrupt the consensus splice site are a relatively common cause of aberrant splicing (PMID: 17576681, 9536098). Algorithms developed to predict the effect of sequence changes on RNA splicing suggest that this variant may disrupt the consensus splice site. In summary, the available evidence is currently insufficient to determine the role of this variant in disease. Therefore, it has been classified as a Variant of Uncertain Significance.

Literature cited by the submitters: PubMed 17576681; PubMed 9536098.